The following is an entry in ClinVar:

NM_000384.3(APOB):c.4813G>A (p.Asp1605Asn)

Gene: APOB (apolipoprotein B; minus strand). Cytogenetic location: 2p24.1.
Variant type: single nucleotide variant.
Coding change: c.4813G>A on transcript NM_000384.3 (MANE Select); coding-DNA position 4813, G replaced by A.
Protein change: p.Asp1605Asn; replaces aspartic acid 1605 with asparagine.
Molecular consequence: missense variant.
Genome position (GRCh38, 1-based): chr2:21,012,055, C>T on the plus strand (G>A on the coding strand, the complement: APOB is on the minus strand). VCF-style: chr2-21012055-C-T. GRCh37 (hg19) VCF-style: chr2-21234927-C-T.
Other names: short protein forms D1605N.
Identifiers: ClinVar variation 4976541 (VCV004976541.1).

ClinVar aggregate classification (germline): Uncertain significance (1 of 4 stars; one submission).

Submission:

GeneDx
Classification: Uncertain significance. Last evaluated: 2026-02-11. Review status: criteria provided, single submitter. Criteria: GeneDx Variant Classification Process June 2021. Collection method: clinical testing. Allele origin: germline.
Comment: Not observed at significant frequency in large population cohorts (gnomAD); In silico analysis suggests that this missense variant does not alter protein structure/function; Has not been previously published as pathogenic or benign to our knowledge